The following is an entry in ClinVar:

ClinVar aggregate classification (germline): Pathogenic/Likely pathogenic. Review status: criteria provided, multiple submitters, no conflicts (2 of 4 stars). 12 submissions from 12 submitters: Pathogenic (4); Likely pathogenic (7). 1 of the submissions does not count toward it. Last evaluated 2026-05-05.

Conditions:
Galactosemia. Also called: Galactose intolerance. Identifiers: Orphanet 352, MedGen C0016952, MONDO:0018116, HP:0004919. Disease mechanism: loss of function.
Deficiency of UDPglucose-hexose-1-phosphate uridylyltransferase. Also called: GALACTOSE-1-PHOSPHATE URIDYLYLTRANSFERASE DEFICIENCY; GALT deficiency; Galactosemia, classic; GALACTOSEMIA I; Transferase Deficiency Galactosemia. Identifiers: Orphanet 352, Orphanet 79239, MedGen C0268151, MONDO:0009258, OMIM 230400.

Allele frequency attached by ClinVar (database versions not stated): gnomAD exomes below 0.00001; TOPMed 0.00002.

Submissions (12):

Myriad Genetics, Inc.
Classification: Likely pathogenic for Deficiency of UDPglucose-hexose-1-phosphate uridylyltransferase. Last evaluated: 2026-05-05. Review status: criteria provided, single submitter. Criteria: Myriad Autosomal Dominant, Autosomal Recessive and X-Linked Classification Criteria (2023). Collection method: clinical testing. Allele origin: unknown.
Comment: NM_000155.3(GALT):c.776G>A(R259Q) is a missense variant classified as likely pathogenic in the context of galactosemia. R259Q has been observed in cases with relevant disease (PMID: 19224951, 22461411, 23690308, 27603904, 30718057, 40513497). Relevant functional assessments of this variant are not available in the literature. R259Q has not been observed in referenced population frequency databases. In summary, NM_000155.3(GALT):c.776G>A(R259Q) is a missense variant that has been observed more frequently in cases with the relevant disease than in healthy populations. Please note: this variant was assessed in the context of healthy population screening.

Natera, Inc.
Classification: Likely pathogenic for Galactosemia. Last evaluated: 2025-10-23. Review status: criteria provided, single submitter. Criteria: Natera Variant Classification Schema (03/2026). Collection method: clinical testing. Allele origin: germline.
Comment: The c.776G>A variant in GALT is a missense variant predicted to cause substitution of arginine to glutamine at amino acid 259. This variant is rare in the general population with a frequency below the threshold expected for the associated phenotype(s). This variant has been observed in one or more individuals affected with the associated recessive disease, as either homozygous or compound heterozygous with a second variant (PMID: 22461411, 30718057, 40513497). This variant has been identified in one or more affected individuals with a phenotype highly consistent with the associated gene (PMID: 30718057). A different variant at the same position has been determined to be Pathogenic or Likely Pathogenic. Computational prediction algorithms indicate this variant is likely to affect gene or protein function. Given the available evidence, this variant is classified as Likely Pathogenic.

Mayo Clinic Laboratories, Mayo Clinic
Classification: Pathogenic. Last evaluated: 2025-01-20. Review status: criteria provided, single submitter. Criteria: ACMG Guidelines, 2015. Collection method: clinical testing. Allele origin: germline. Observed: 1 variant allele.
Comment: PP3_moderate, PP4, PM2_supporting, PM3, PM5, PS3

Fulgent Genetics
Classification: Likely pathogenic for Deficiency of UDPglucose-hexose-1-phosphate uridylyltransferase. Last evaluated: 2024-06-05. Review status: criteria provided, single submitter. Criteria: ACMG Guidelines, 2015. Collection method: clinical testing. Allele origin: germline.

Labcorp Genetics (formerly Invitae), Labcorp
Classification: Pathogenic for Deficiency of UDPglucose-hexose-1-phosphate uridylyltransferase. Last evaluated: 2024-03-01. Review status: criteria provided, single submitter. Criteria: Invitae Variant Classification Sherloc (09022015). Collection method: clinical testing. Allele origin: germline.
Comment: This sequence change replaces arginine, which is basic and polar, with glutamine, which is neutral and polar, at codon 259 of the GALT protein (p.Arg259Gln). This variant is not present in population databases (gnomAD no frequency). This missense change has been observed in individual(s) with galactosemia (PMID: 22461411). ClinVar contains an entry for this variant (Variation ID: 280989). Advanced modeling of protein sequence and biophysical properties (such as structural, functional, and spatial information, amino acid conservation, physicochemical variation, residue mobility, and thermodynamic stability) performed at Invitae indicates that this missense variant is expected to disrupt GALT protein function with a positive predictive value of 95%. Experimental studies have shown that this missense change affects GALT function (PMID: 22461411). This variant disrupts the p.Arg259 amino acid residue in GALT. Other variant(s) that disrupt this residue have been determined to be pathogenic (PMID: 8741038, 11152465, 23749220). This suggests that this residue is clinically significant, and that variants that disrupt this residue are likely to be disease-causing. For these reasons, this variant has been classified as Pathogenic.

Baylor Genetics
Classification: Likely pathogenic for Deficiency of UDPglucose-hexose-1-phosphate uridylyltransferase. Last evaluated: 2023-07-15. Review status: criteria provided, single submitter. Criteria: ACMG Guidelines, 2015. Collection method: clinical testing. Allele origin: unknown.

Dasa
Classification: Pathogenic for Deficiency of UDPglucose-hexose-1-phosphate uridylyltransferase. Last evaluated: 2022-06-10. Review status: criteria provided, single submitter. Criteria: ACMG Guidelines, 2015. Collection method: clinical testing. Allele origin: germline. Affected: yes. Observed: 1 variant allele.
Comment: The c.776G>A;p.(Arg259Gln) missense change has been observed in affected individual(s) and ClinVar contains an entry for this variant (Clinvar ID: 280989; PMID: 27603904; 23749220; 23418865; 22461411) - PS4. The variant is present at low allele frequencies population databases (rs886042070– gnomAD no frequency%; ABraOM 0.000427 frequency) -PM2_supporting. The p.(Arg259Gln) was detected in trans with a Pathogenic variant (PMID: 23749220; 23418865; 22461411) - PM3. Pathogenic missense variant in this residue have been reported and classified as Pathogenic by ACMG criteria (Clinvar ID: 189191 - c.775C>T (p.Arg259Trp)) - PM5. Multiple lines of computational evidence support a deleterious effect on the gene or gene product - PP3. In summary, the currently available evidence indicates that the variant is Pathogenic

Mendelics
Classification: Pathogenic for Deficiency of UDPglucose-hexose-1-phosphate uridylyltransferase. Last evaluated: 2022-05-04. Review status: criteria provided, single submitter. Criteria: Mendelics Assertion Criteria 2019. Collection method: clinical testing. Allele origin: germline.

ARUP Laboratories, Molecular Genetics and Genomics, ARUP Laboratories
Classification: Likely pathogenic. Last evaluated: 2018-06-17. Review status: criteria provided, single submitter. Criteria: ARUP Molecular Germline Variant Investigation Process. Collection method: clinical testing. Allele origin: germline.
Comment: The GALT c.776G>A; p.Arg259Gln variant (rs886042070) has been described in the compound heterozygous state in at least one individual with galactosemia, who has no detectable GALT enzyme activity in their red blood cells (Tang 2012). It is reported as likely pathogenic in ClinVar (Variation ID: 280989) and is absent from general population databases (1000 Genomes Project, Exome Variant Server, and Genome Aggregation Database), indicating it is not a common polymorphism. The arginine at codon 259 is highly conserved, but computational algorithms (PolyPhen-2: probably damaging, SIFT: tolerated) are inconclusive on the effect of this variant on protein structure and/or function. Another variant at this codon (c.775C>T; p.Arg259Trp) has been described in individuals with galactosemia and in vitro analysis of this variant protein demonstrates a significant reduction in GALT activity (Riehman 2001, Shin 1996). Based on available information, this variant is considered likely pathogenic. References: Riehman K et al. Relationship between genotype, activity, and galactose sensitivity in yeast expressing patient alleles of human galactose-1-phosphate uridylyltransferase. J Biol Chem. 2001 Apr 6;276(14):10634-40. Shin Y et al. Three missense mutations in the galactose-1-phosphate uridyltransferase gene of three families with mild galactosaemia. Eur J Pediatr. 1996 May;155(5):393-7. Tang M et al. Correlation assessment among clinical phenotypes, expression analysis and molecular modeling of 14 novel variations in the human galactose-1-phosphate uridylyltransferase gene. Hum Mutat. 2012 Jul;33(7):1107-15.

Eurofins Ntd Llc (ga)
Classification: Likely pathogenic. Last evaluated: 2017-07-05. Review status: criteria provided, single submitter. Criteria: EGL Classification Definitions 2015. Collection method: clinical testing. Allele origin: germline. Observed: 2 variant alleles, 2 heterozygotes.

Women's Health and Genetics/Laboratory Corporation of America, LabCorp
Classification: Likely pathogenic for Deficiency of UDPglucose-hexose-1-phosphate uridylyltransferase. Last evaluated: 2016-11-01. Review status: criteria provided, single submitter. Criteria: LabCorp Variant Classification Summary - May 2015. Collection method: clinical testing. Allele origin: germline.
Comment: Variant summary: The GALT c.776G>A (p.Arg259Gln) variant involves the alteration of a conserved nucleotide. 2/4 in silico tools predict a damaging outcome for this variant (SNPs&GO not captured due to low reliability index). This variant is absent in 121330 control chromosomes. This variant has been reported in at least two affected individuals via publications, and multiple clinical laboratories/reputable databases classified this variant as pathogenic/likely pathogenic. Functional study showed variant protein with no enzyme activity. Taken together, this variant is classified as likely pathogenic until more evidence becomes available.

Counsyl
Classification: Uncertain significance for Deficiency of UDPglucose-hexose-1-phosphate uridylyltransferase. Last evaluated: 2019-03-13. Review status: no assertion criteria provided. Collection method: clinical testing. Allele origin: unknown. Not counted in ClinVar's aggregate classification.

Literature cited by the submitters: PubMed 19224951 (cited by 4 submitters); PubMed 22461411 (cited by 8 submitters); PubMed 23690308 (cited by Myriad Genetics, Inc.); PubMed 27603904 (cited by 4 submitters); PubMed 30718057 (cited by 3 submitters); PubMed 40513497 (cited by Myriad Genetics, Inc. and Natera, Inc.); PubMed 23418865 (cited by 3 submitters); PubMed 27005423 (cited by 3 submitters); PubMed 27308838 (cited by Mayo Clinic Laboratories, Mayo Clinic); PubMed 8741038 (cited by Labcorp Genetics (formerly Invitae), Labcorp); PubMed 11152465 (cited by Labcorp Genetics (formerly Invitae), Labcorp); PubMed 23749220 (cited by Labcorp Genetics (formerly Invitae), Labcorp and Dasa).

NM_000155.4(GALT):c.776G>A (p.Arg259Gln)

Gene: GALT (galactose-1-phosphate uridylyltransferase; plus strand). Cytogenetic location: 9p13.3.
Variant type: single nucleotide variant.
Coding change: c.776G>A on transcript NM_000155.4 (MANE Select); coding-DNA position 776, G replaced by A.
Protein change: p.Arg259Gln; replaces arginine 259 with glutamine.
Molecular consequence: missense variant.
Genome position (GRCh38, 1-based): chr9:34,648,850, G>A. VCF-style: chr9-34648850-G-A. GRCh37 (hg19) VCF-style: chr9-34648847-G-A.
Other names: c.449G>A, p.Arg150Gln (NM_001258332.2); short protein forms R259Q, R150Q.
Identifiers: ClinVar variation 280989 (VCV000280989.30), dbSNP rs886042070, ClinGen allele CA10603771.